The following is an entry in ClinVar:

NM_003321.5(TUFM):c.778C>G (p.Pro260Ala)

Gene: TUFM (Tu translation elongation factor, mitochondrial; minus strand). Cytogenetic location: 16p11.2.
Variant type: single nucleotide variant.
Coding change: c.778C>G on transcript NM_003321.5 (MANE Select); coding-DNA position 778, C replaced by G.
Protein change: p.Pro260Ala; replaces proline 260 with alanine.
Molecular consequence: missense variant.
Genome position (GRCh38, 1-based): chr16:28,844,458, G>C on the plus strand (C>G on the coding strand, the complement: TUFM is on the minus strand). VCF-style: chr16-28844458-G-C. GRCh37 (hg19) VCF-style: chr16-28855779-G-C.
Other names: c.778C>G, p.Pro260Ala (NM_001365360.2); short protein forms P260A.
Identifiers: ClinVar variation 3897993 (VCV003897993.1).

ClinVar aggregate classification (germline): Uncertain significance (1 of 4 stars; one submission).

Conditions:
Combined oxidative phosphorylation defect type 4. Identifiers: Orphanet 254925, MedGen C1857682, MONDO:0012534, OMIM 610678.

Submission:

Neuberg Centre For Genomic Medicine, NCGM
Classification: Uncertain significance for Combined oxidative phosphorylation defect type 4. Last evaluated: 2024-02-01. Review status: criteria provided, single submitter. Criteria: ACMG Guidelines, 2015. Collection method: clinical testing. Allele origin: germline. Inheritance: Autosomal recessive inheritance.
Comment: The variant in TUFM gene has not been reported previously as a pathogenic variant nor as a benign variant, to our knowledge.